The following is an entry in ClinVar:

ClinVar aggregate classification (germline): Uncertain significance (1 of 4 stars; one submission).

Conditions:
Bailey-Bloch congenital myopathy (CMYO13). Also called: Congenital myopathy 13; STAC3 disorder; Native American myopathy. Identifiers: Orphanet 168572, MedGen C1850625, MONDO:0009722, OMIM 255995.

Allele frequency attached by ClinVar (database versions not stated): gnomAD below 0.00001 and 0.00003; gnomAD exomes 0.00001 and 0.00002; ExAC 0.00002.
gnomAD v4.1: 16 of 1,613,912 alleles (0.00099%); highest among the groups gnomAD compares: South Asian, 0.015%; no homozygotes.

Submission:

Labcorp Genetics (formerly Invitae), Labcorp
Classification: Uncertain significance for Bailey-Bloch congenital myopathy. Last evaluated: 2023-08-10. Review status: criteria provided, single submitter. Criteria: Invitae Variant Classification Sherloc (09022015). Collection method: clinical testing. Allele origin: germline.
Comment: In summary, the available evidence is currently insufficient to determine the role of this variant in disease. Therefore, it has been classified as a Variant of Uncertain Significance. This variant has not been reported in the literature in individuals affected with STAC3-related conditions. This sequence change replaces serine, which is neutral and polar, with tyrosine, which is neutral and polar, at codon 9 of the STAC3 protein (p.Ser9Tyr). This variant is present in population databases (rs775388111, gnomAD 0.02%). ClinVar contains an entry for this variant (Variation ID: 644689). An algorithm developed to predict the effect of missense changes on protein structure and function (PolyPhen-2) suggests that this variant is likely to be tolerated.

NM_145064.3(STAC3):c.26C>A (p.Ser9Tyr)

Gene: STAC3 (SH3 and cysteine rich domain 3; minus strand). Cytogenetic location: 12q13.3.
Variant type: single nucleotide variant.
Coding change: c.26C>A on transcript NM_145064.3 (MANE Select); coding-DNA position 26, C replaced by A.
Protein change: p.Ser9Tyr; replaces serine 9 with tyrosine.
Molecular consequence: missense variant. On other transcripts: intron variant (2).
Genome position (GRCh38, 1-based): chr12:57,249,611, G>T on the plus strand (C>A on the coding strand, the complement: STAC3 is on the minus strand). VCF-style: chr12-57249611-G-T. GRCh37 (hg19) VCF-style: chr12-57643394-G-T.
Other names: c.-127+1382C>A (NM_001286257.2); c.-51-303C>A (NM_001286256.2); short protein forms S9Y.
Identifiers: ClinVar variation 644689 (VCV000644689.9), dbSNP rs775388111, ClinGen allele CA6647284.